The following is an entry in ClinVar:

NM_014908.4(DOLK):c.1446G>A (p.Ala482=)

Gene: DOLK (dolichol kinase; minus strand). Cytogenetic location: 9q34.11.
Variant type: single nucleotide variant.
Coding change: c.1446G>A on transcript NM_014908.4 (MANE Select); coding-DNA position 1446, G replaced by A.
Protein change: p.Ala482=; no amino-acid change (alanine 482 retained).
Molecular consequence: synonymous variant.
Genome position (GRCh38, 1-based): chr9:128,945,858, C>T on the plus strand (G>A on the coding strand, the complement: DOLK is on the minus strand). VCF-style: chr9-128945858-C-T. GRCh37 (hg19) VCF-style: chr9-131708137-C-T.
Identifiers: ClinVar variation 365192 (VCV000365192.20), dbSNP rs201027607, ClinGen allele CA5271560.

ClinVar aggregate classification (germline): Conflicting classifications of pathogenicity. Review status: criteria provided, conflicting classifications (1 of 4 stars). 6 submissions from 6 submitters: Uncertain significance (1); Likely benign (5). Last evaluated 2026-01-27.

Conditions:
DOLK-related disorder. Also called: DOLK-related condition.
Cardiovascular phenotype. Identifiers: MedGen CN230736.
DK1-congenital disorder of glycosylation. Also called: CDG Im; DOLK-congenital disorder of glycosylation; Carbohydrate deficient glycoprotein syndrome type 1m; CONGENITAL DISORDER OF GLYCOSYLATION, TYPE Im; DK1-CDG; DK1 DEFICIENCY. Identifiers: Orphanet 91131, MedGen C1835849, MONDO:0012556, OMIM 610768.

Allele frequency attached by ClinVar (database versions not stated): ExAC 0.00004; gnomAD exomes 0.00004; ESP Exome Variant Server 0.00008; gnomAD 0.00012 and 0.00015; TOPMed 0.00014; 1000 Genomes Project 30x 0.00016; 1000 Genomes Project 0.00020.
gnomAD v4.1: 80 of 1,614,224 alleles (0.005%); highest among the groups gnomAD compares: African/African-American, 0.044%; 1 homozygote.

Submissions (6):

Labcorp Genetics (formerly Invitae), Labcorp
Classification: Likely benign for DK1-congenital disorder of glycosylation. Last evaluated: 2026-01-27. Review status: criteria provided, single submitter. Criteria: Invitae Variant Classification Sherloc (09022015). Collection method: clinical testing. Allele origin: germline.

PreventionGenetics, part of Exact Sciences
Classification: Likely benign for DOLK-related condition. Last evaluated: 2026-01-20. Review status: criteria provided, single submitter. Criteria: ACMG Guidelines, 2015. Collection method: clinical testing. Allele origin: germline.
Comment: This variant is classified as likely benign based on ACMG/AMP sequence variant interpretation guidelines (Richards et al. 2015 PMID: 25741868, with internal and published modifications).

ARUP Laboratories, Molecular Genetics and Genomics, ARUP Laboratories
Classification: Likely benign for DK1-congenital disorder of glycosylation. Last evaluated: 2025-03-26. Review status: criteria provided, single submitter. Criteria: ARUP Molecular Germline Variant Investigation Process 2024. Collection method: clinical testing. Allele origin: germline.

Ambry Genetics
Classification: Likely benign for Cardiovascular phenotype. Last evaluated: 2021-08-20. Review status: criteria provided, single submitter. Criteria: Ambry Variant Classification Scheme 2023. Collection method: clinical testing. Allele origin: germline.

GeneDx
Classification: Likely benign. Last evaluated: 2018-04-17. Review status: criteria provided, single submitter. Criteria: GeneDx Variant Classification (06012015). Collection method: clinical testing. Allele origin: germline. Affected: yes.
Comment: This variant is considered likely benign or benign based on one or more of the following criteria: it is a conservative change, it occurs at a poorly conserved position in the protein, it is predicted to be benign by multiple in silico algorithms, and/or has population frequency not consistent with disease.

Illumina Laboratory Services, Illumina
Classification: Uncertain significance for DK1-congenital disorder of glycosylation. Last evaluated: 2018-01-13. Review status: criteria provided, single submitter. Criteria: ICSL Variant Classification Criteria 13 December 2019. Collection method: clinical testing. Allele origin: germline.